The following is an entry in ClinVar:

ClinVar aggregate classification (germline): Uncertain significance (1 of 4 stars; one submission).

Allele frequency attached by ClinVar (database versions not stated): TOPMed below 0.00001; ExAC 0.00001.

Submission:

Ambry Genetics
Classification: Uncertain significance. Last evaluated: 2023-05-04. Review status: criteria provided, single submitter. Criteria: Ambry Variant Classification Scheme 2023. Collection method: clinical testing. Allele origin: germline.
Comment: The p.R1318K variant (also known as c.3953G>A), located in coding exon 8 of the MLH3 gene, results from a G to A substitution at nucleotide position 3953. The arginine at codon 1318 is replaced by lysine, an amino acid with highly similar properties. This amino acid position is conserved. In addition, the in silico prediction for this alteration is inconclusive. Since supporting evidence is limited at this time, the clinical significance of this alteration remains unclear.

NM_001040108.2(MLH3):c.3953G>A (p.Arg1318Lys)

Gene: MLH3 (mutL homolog 3; minus strand). Cytogenetic location: 14q24.3.
Variant type: single nucleotide variant.
Coding change: c.3953G>A on transcript NM_001040108.2 (MANE Select); coding-DNA position 3953, G replaced by A.
Protein change: p.Arg1318Lys; replaces arginine 1318 with lysine.
Molecular consequence: missense variant.
Genome position (GRCh38, 1-based): chr14:75,030,577, C>T on the plus strand (G>A on the coding strand, the complement: MLH3 is on the minus strand). VCF-style: chr14-75030577-C-T. GRCh37 (hg19) VCF-style: chr14-75497280-C-T.
Other names: c.3881G>A, p.Arg1294Lys (NM_014381.3); short protein forms R1318K, R1294K.
Identifiers: ClinVar variation 2563556 (VCV002563556.2), dbSNP rs749566939, ClinGen allele CA7275292.